The following is an entry in ClinVar:

ClinVar aggregate classification (germline): Uncertain significance (1 of 4 stars; one submission).

Submission:

Dasa
Classification: Uncertain significance. Last evaluated: 2025-10-10. Review status: criteria provided, single submitter. Criteria: DASA Assertion Criteria. Collection method: clinical testing. Allele origin: germline.
Comment: NM_002971.6(SATB1):c.323A>G (p.Asn108Ser) is a missense variant that results in the substitution of asparagine with serine. This variant is rare in population databases. Computational prediction algorithms are consistent with a benign effect. The currently available literature and clinical evidence are not sufficient to establish a definitive association between this variant and the reported condition. Therefore, this variant is classified as a variant of uncertain significance.

NM_002971.6(SATB1):c.323A>G (p.Asn108Ser)

Gene: SATB1 (SATB homeobox 1; minus strand). Cytogenetic location: 3p24.3.
Variant type: single nucleotide variant.
Coding change: c.323A>G on transcript NM_002971.6 (MANE Select); coding-DNA position 323, A replaced by G.
Protein change: p.Asn108Ser; replaces asparagine 108 with serine.
Molecular consequence: missense variant.
Genome position (GRCh38, 1-based): chr3:18,416,967, T>C on the plus strand (A>G on the coding strand, the complement: SATB1 is on the minus strand). VCF-style: chr3-18416967-T-C. GRCh37 (hg19) VCF-style: chr3-18458459-T-C.
Other names: c.323A>G, p.Asn108Ser (NM_001131010.4, NM_001195470.3, NM_001322871.2 and 4 more transcripts); c.107A>G, p.Asn36Ser (NM_001322876.2); short protein forms N108S, N36S.
Identifiers: ClinVar variation 4885438 (VCV004885438.2).